The following is an entry in ClinVar:

ClinVar aggregate classification (germline): Uncertain significance (1 of 4 stars; one submission).

Conditions:
TTN-related disorder. Also called: TTN-related disorders; TTN-related condition; TTN-related disease.

gnomAD v4.1: 23 of 1,613,284 alleles (0.0014%); highest among the groups gnomAD compares: Non-Finnish European, 0.0019%; no homozygotes.

Submission:

PreventionGenetics, part of Exact Sciences
Classification: Uncertain significance for TTN-related condition. Last evaluated: 2025-04-23. Review status: criteria provided, single submitter. Criteria: ACMG Guidelines, 2015. Collection method: clinical testing. Allele origin: germline.
Comment: The TTN c.11311+1603G>A variant is predicted to interfere with splicing. This variant is a missense alteration, c.10879G>A (p.Gly3627Arg), in an alternate transcript (NM_133379). To our knowledge, this variant has not been reported in the literature. This variant is reported in 0.0031% of alleles in individuals of European (Non-Finnish) descent in gnomAD. At this time, the clinical significance of this variant is uncertain due to the absence of conclusive functional and genetic evidence.

NM_001267550.2(TTN):c.11311+1603G>A

Gene: TTN (titin; minus strand). Cytogenetic location: 2q31.2.
Variant type: single nucleotide variant.
Coding change: c.11311+1603G>A on transcript NM_001267550.2 (MANE Select); 1603 bases into the intron after coding-DNA position 11311, G replaced by A.
Molecular consequence: intron variant. On other transcripts: missense variant (1).
Genome position (GRCh38, 1-based): chr2:178,751,521, C>T on the plus strand (G>A on the coding strand, the complement: TTN is on the minus strand). VCF-style: chr2-178751521-C-T. GRCh37 (hg19) VCF-style: chr2-179616248-C-T.
Other names: c.10879G>A, p.Gly3627Arg (NM_133379.5); c.10222+1603G>A (NM_003319.4); c.10798+1603G>A (NM_133437.4); c.10597+1603G>A (NM_133432.3); c.10360+1603G>A (NM_133378.4, NM_001256850.1); short protein forms G3627R.
Identifiers: ClinVar variation 4989600 (VCV004989600.1).